The following is an entry in ClinVar:

NM_004168.4(SDHA):c.1962_1963del (p.Ala655fs)

Gene: SDHA (succinate dehydrogenase complex flavoprotein subunit A; plus strand). Cytogenetic location: 5p15.33.
Variant type: Microsatellite.
Coding change: c.1962_1963del on transcript NM_004168.4 (MANE Select); coding-DNA positions 1962 to 1963, 2 bases deleted (TG; older notation c.1962_1963delTG).
Protein change: p.Ala655fs; shifts the reading frame from alanine 655.
Molecular consequence: frameshift variant.
Genome position (GRCh38, 1-based): chr5:256,387-256,388, TG deleted; deleting any 2 consecutive bases within chr5:256,385-256,388 gives the same sequence; the c. name uses the placement nearest the transcript's 3' end. VCF-style (leftmost placement, unchanged base first): chr5-256384-CTG-C. GRCh37 (hg19) VCF-style: chr5-256499-CTG-C.
Other names: c.1818_1819del, p.Ala607fs (NM_001294332.2); c.1719_1720del, p.Ala574fs (NM_001330758.2); short protein forms A574fs, A607fs, A655fs.
Identifiers: ClinVar variation 1461648 (VCV001461648.7), dbSNP rs2126645995, ClinGen allele CA2580613501.

ClinVar aggregate classification (germline): Uncertain significance. Review status: criteria provided, multiple submitters, no conflicts (2 of 4 stars). 2 submissions from 2 submitters: Uncertain significance (2). Last evaluated 2024-03-14.

Conditions:
Mitochondrial complex II deficiency, nuclear type 1. Also called: SUCCINATE CoQ REDUCTASE DEFICIENCY. Identifiers: Orphanet 3208, MedGen C5700310, MONDO:0100294, OMIM 252011.
Pheochromocytoma/paraganglioma syndrome 5. Also called: Paragangliomas 5; SDHA-Related Hereditary Paraganglioma-Pheochromocytoma Syndrome. Identifiers: Orphanet 29072, MedGen C3279992, MONDO:0013602, OMIM 614165.
Dilated cardiomyopathy 1GG (CMD1GG). Identifiers: Orphanet 154, MedGen C3150898, MONDO:0013339, OMIM 613642.

Submissions (2):

Labcorp Genetics (formerly Invitae), Labcorp
Classification: Uncertain significance for Pheochromocytoma/paraganglioma syndrome 5; Mitochondrial complex II deficiency, nuclear type 1. Last evaluated: 2024-03-14. Review status: criteria provided, single submitter. Criteria: Invitae Variant Classification Sherloc (09022015). Collection method: clinical testing. Allele origin: germline.
Comment: This sequence change results in a frameshift in the SDHA gene (p.Ala655Hisfs*51). While this is not anticipated to result in nonsense mediated decay, it is expected to disrupt the last 10 amino acid(s) of the SDHA protein and extend the protein by 40 additional amino acid residues. This variant is not present in population databases (gnomAD no frequency). This variant has not been reported in the literature in individuals affected with SDHA-related conditions. Experimental studies and prediction algorithms are not available or were not evaluated, and the functional significance of this variant is currently unknown. In summary, the available evidence is currently insufficient to determine the role of this variant in disease. Therefore, it has been classified as a Variant of Uncertain Significance.

Baylor Genetics
Classification: Uncertain significance for Dilated cardiomyopathy 1GG. Last evaluated: 2024-02-19. Review status: criteria provided, single submitter. Criteria: ACMG Guidelines, 2015. Collection method: clinical testing. Allele origin: unknown.